The following is an entry in ClinVar:

ClinVar aggregate classification (germline): Uncertain significance (1 of 4 stars; one submission).

gnomAD v4.1: 7 of 1,611,532 alleles (0.00043%); highest among the groups gnomAD compares: Non-Finnish European, 0.00059%; no homozygotes.

Submission:

Athena Diagnostics
Classification: Uncertain significance. Last evaluated: 2025-09-12. Review status: criteria provided, single submitter. Criteria: Athena Diagnostics Criteria. Collection method: clinical testing. Allele origin: unknown.
Comment: Available data are insufficient to determine the clinical significance of the variant at this time. This variant has not been reported in large, multi-ethnic general populations. This variant is not expected to cause loss of protein expression through nonsense-mediated decay. However, it disrupts a substantial portion of the protein, and therefore, is expected to disrupt its function.

NM_021942.6(TRAPPC11):c.3190-1G>C

Gene: TRAPPC11 (trafficking protein particle complex subunit 11; plus strand). Cytogenetic location: 4q35.1.
Variant type: single nucleotide variant.
Coding change: c.3190-1G>C on transcript NM_021942.6 (MANE Select); the canonical splice acceptor site of the intron before coding-DNA position 3190, G replaced by C.
Molecular consequence: splice acceptor variant.
Genome position (GRCh38, 1-based): chr4:183,708,406, G>C. VCF-style: chr4-183708406-G-C. GRCh37 (hg19) VCF-style: chr4-184629559-G-C.
Other names: c.3190-1G>C (NM_199053.3).
Identifiers: ClinVar variation 4682361 (VCV004682361.1).
Genomic context (GRCh38, chr4:183,708,406, plus strand): 5'-CATATAGATATTGCACATATGTGTATTTGATTATCTTTCTCTGTGACTTTTTATGATGCA[G>C]ATTCGATTACGTATCCTCCCTGGCACGGAGCAGGAAATGCTATATAATTTCTATCCTCTG-3'